The following is an entry in ClinVar:

ClinVar aggregate classification (germline): Uncertain significance. Review status: criteria provided, multiple submitters, no conflicts (2 of 4 stars). 3 submissions from 3 submitters: Uncertain significance (3). Last evaluated 2025-07-08.

Conditions:
Renal cell carcinoma. Identifiers: Orphanet 217071, MedGen C0007134, MeSH D002292, MONDO:0005086, HP:0005584.
Hereditary cancer-predisposing syndrome. Also called: Hereditary Cancer Syndrome; Hereditary neoplastic syndrome; Neoplastic Syndromes, Hereditary; Tumor predisposition. Identifiers: Orphanet 140162, MedGen C0027672, MeSH D009386, MONDO:0015356.

Allele frequency attached by ClinVar (database versions not stated): gnomAD exomes 0.00001; TOPMed 0.00001; gnomAD 0.00002.

Submissions (3):

Labcorp Genetics (formerly Invitae), Labcorp
Classification: Uncertain significance for Renal cell carcinoma. Last evaluated: 2025-07-08. Review status: criteria provided, single submitter. Criteria: Invitae Variant Classification Sherloc (09022015). Collection method: clinical testing. Allele origin: germline.
Comment: This sequence change replaces alanine, which is neutral and non-polar, with threonine, which is neutral and polar, at codon 800 of the MET protein (p.Ala800Thr). This variant is not present in population databases (gnomAD no frequency). This variant has not been reported in the literature in individuals affected with MET-related conditions. ClinVar contains an entry for this variant (Variation ID: 454211). Invitae Evidence Modeling of protein sequence and biophysical properties (such as structural, functional, and spatial information, amino acid conservation, physicochemical variation, residue mobility, and thermodynamic stability) indicates that this missense variant is not expected to disrupt MET protein function with a negative predictive value of 80%. In summary, the available evidence is currently insufficient to determine the role of this variant in disease. Therefore, it has been classified as a Variant of Uncertain Significance.

Ambry Genetics
Classification: Uncertain significance for Hereditary cancer-predisposing syndrome. Last evaluated: 2024-05-17. Review status: criteria provided, single submitter. Criteria: Ambry Variant Classification Scheme 2023. Collection method: clinical testing. Allele origin: germline.
Comment: The p.A800T variant (also known as c.2398G>A), located in coding exon 9 of the MET gene, results from a G to A substitution at nucleotide position 2398. The alanine at codon 800 is replaced by threonine, an amino acid with similar properties. This amino acid position is not well conserved in available vertebrate species. In addition, this alteration is predicted to be tolerated by in silico analysis. Since supporting evidence is limited at this time, the clinical significance of this alteration remains unclear.

GeneDx
Classification: Uncertain significance. Last evaluated: 2024-05-16. Review status: criteria provided, single submitter. Criteria: GeneDx Variant Classification Process June 2021. Collection method: clinical testing. Allele origin: germline. Affected: yes.
Comment: Not observed at significant frequency in large population cohorts (gnomAD); In silico analysis indicates that this missense variant does not alter protein structure/function; Has not been previously published as pathogenic or benign to our knowledge

NM_000245.4(MET):c.2344G>A (p.Ala782Thr)

Gene: MET (MET proto-oncogene, receptor tyrosine kinase; plus strand). Cytogenetic location: 7q31.2.
Variant type: single nucleotide variant.
Coding change: c.2344G>A on transcript NM_000245.4 (MANE Select); coding-DNA position 2344, G replaced by A.
Protein change: p.Ala782Thr; replaces alanine 782 with threonine.
Molecular consequence: missense variant.
Genome position (GRCh38, 1-based): chr7:116,759,470, G>A. VCF-style: chr7-116759470-G-A. GRCh37 (hg19) VCF-style: chr7-116399524-G-A.
Other names: c.2398G>A, p.Ala800Thr (NM_001127500.3); c.2344G>A, p.Ala782Thr (NM_001324401.3); c.1054G>A, p.Ala352Thr (NM_001324402.2); short protein forms A800T, A352T, A782T.
Identifiers: ClinVar variation 454211 (VCV000454211.16), dbSNP rs1262601648, ClinGen allele CA368982475.